The following is an entry in ClinVar:

ClinVar aggregate classification (germline): Uncertain significance (1 of 4 stars; one submission).

Submission:

Labcorp Genetics (formerly Invitae), Labcorp
Classification: Uncertain significance. Last evaluated: 2022-09-27. Review status: criteria provided, single submitter. Criteria: Invitae Variant Classification Sherloc (09022015). Collection method: clinical testing. Allele origin: germline.
Comment: In summary, the available evidence is currently insufficient to determine the role of this variant in disease. Therefore, it has been classified as a Variant of Uncertain Significance. Advanced modeling of protein sequence and biophysical properties (such as structural, functional, and spatial information, amino acid conservation, physicochemical variation, residue mobility, and thermodynamic stability) performed at Invitae indicates that this missense variant is not expected to disrupt POLE protein function. This variant has not been reported in the literature in individuals affected with POLE-related conditions. This variant is not present in population databases (gnomAD no frequency). This sequence change replaces alanine, which is neutral and non-polar, with proline, which is neutral and non-polar, at codon 2243 of the POLE protein (p.Ala2243Pro).

NM_006231.4(POLE):c.6727G>C (p.Ala2243Pro)

Gene: POLE (DNA polymerase epsilon, catalytic subunit; minus strand). Cytogenetic location: 12q24.33.
Variant type: single nucleotide variant.
Coding change: c.6727G>C on transcript NM_006231.4 (MANE Select); coding-DNA position 6727, G replaced by C.
Protein change: p.Ala2243Pro; replaces alanine 2243 with proline.
Molecular consequence: missense variant.
Genome position (GRCh38, 1-based): chr12:132,624,925, C>G on the plus strand (G>C on the coding strand, the complement: POLE is on the minus strand). VCF-style: chr12-132624925-C-G. GRCh37 (hg19) VCF-style: chr12-133201511-C-G.
Other names: short protein forms A2243P.
Identifiers: ClinVar variation 1720458 (VCV001720458.5), dbSNP rs747349009, ClinGen allele CA387366042.